The following is an entry in ClinVar:

NM_014317.5(PDSS1):c.1057C>T (p.Arg353Trp)

Gene: PDSS1 (decaprenyl diphosphate synthase subunit 1; plus strand). Cytogenetic location: 10p12.1.
Variant type: single nucleotide variant.
Coding change: c.1057C>T on transcript NM_014317.5 (MANE Select); coding-DNA position 1057, C replaced by T.
Protein change: p.Arg353Trp; replaces arginine 353 with tryptophan.
Molecular consequence: missense variant.
Genome position (GRCh38, 1-based): chr10:26,742,527, C>T. VCF-style: chr10-26742527-C-T. GRCh37 (hg19) VCF-style: chr10-27031456-C-T.
Other names: c.866C>T, p.Thr289Met (NM_001321978.2); c.547C>T, p.Arg183Trp (NM_001321979.2); short protein forms R183W, R353W, T289M.
Identifiers: ClinVar variation 2545306 (VCV002545306.3), dbSNP rs751052685, ClinGen allele CA5447121.
Genomic context (GRCh38, chr10:26,742,527, plus strand): 5'-TTTCTCAGATTTTCTCTCTTTTTTTGTTAGTTCCCAGAAATGAATGCTATGATCATGCGA[C>T]GGTTCAGTTTGCCTGGAGATGTAGACAGAGCTCGACAGTATGTACTACAGGTAAGACTGT-3'
Protein context (NP_055132.2, residues 343-363): FPEMNAMIMR[Arg353Trp]FSLPGDVDRA

ClinVar aggregate classification (germline): Uncertain significance. Review status: criteria provided, multiple submitters, no conflicts (2 of 4 stars). 2 submissions from 2 submitters: Uncertain significance (2). Last evaluated 2024-12-20.

Conditions:
Inborn genetic diseases. Identifiers: MedGen C0950123, MeSH D030342.

Allele frequency attached by ClinVar (database versions not stated): TOPMed 0.00001; ExAC 0.00001; gnomAD 0.00001; gnomAD exomes 0.00001.
gnomAD v4.1: 15 of 1,612,188 alleles (0.00093%); highest among the groups gnomAD compares: African/African-American, 0.0053%; no homozygotes.

Submissions (2):

GeneDx
Classification: Uncertain significance. Last evaluated: 2024-12-20. Review status: criteria provided, single submitter. Criteria: GeneDx Variant Classification Process June 2021. Collection method: clinical testing. Allele origin: germline. Affected: yes.
Comment: Not observed at significant frequency in large population cohorts (gnomAD); In silico analysis supports that this missense variant has a deleterious effect on protein structure/function; Has not been previously published as pathogenic or benign to our knowledge

Ambry Genetics
Classification: Uncertain significance for Inborn genetic diseases. Last evaluated: 2023-05-08. Review status: criteria provided, single submitter. Criteria: Ambry Variant Classification Scheme 2023. Collection method: clinical testing. Allele origin: germline.